The following is an entry in ClinVar:

ClinVar aggregate classification (germline): Uncertain significance (1 of 4 stars; one submission).

Conditions:
Charcot-Marie-Tooth disease type 4. Also called: Charcot-Marie-Tooth disease, type IV; Charcot-Marie-Tooth, Type 4. Identifiers: Orphanet 64749, MedGen C4082197, MONDO:0018995.

Allele frequency attached by ClinVar (database versions not stated): TOPMed below 0.00001.
gnomAD v4.1: 1 of 1,613,832 alleles (0.000062%); highest among the groups gnomAD compares: African/African-American, 0.0013%; no homozygotes.

Submission:

Labcorp Genetics (formerly Invitae), Labcorp
Classification: Uncertain significance for Charcot-Marie-Tooth disease type 4. Last evaluated: 2018-11-11. Review status: criteria provided, single submitter. Criteria: Invitae Variant Classification Sherloc (09022015). Collection method: clinical testing. Allele origin: germline.
Comment: This sequence change replaces serine with proline at codon 36 of the SH3TC2 protein (p.Ser36Pro). The serine residue is weakly conserved and there is a moderate physicochemical difference between serine and proline. This variant is not present in population databases (ExAC no frequency). In summary, the available evidence is currently insufficient to determine the role of this variant in disease. Therefore, it has been classified as a Variant of Uncertain Significance. Algorithms developed to predict the effect of missense changes on protein structure and function output the following: SIFT: "Tolerated"; PolyPhen-2: "Benign"; Align-GVGD: "Class C0". The proline amino acid residue is found in multiple mammalian species, suggesting that this missense change does not adversely affect protein function. These predictions have not been confirmed by published functional studies and their clinical significance is uncertain. This variant has not been reported in the literature in individuals with SH3TC2-related disease.

NM_024577.4(SH3TC2):c.106T>C (p.Ser36Pro)

Gene: SH3TC2 (SH3 domain and tetratricopeptide repeats 2; minus strand). Cytogenetic location: 5q32.
Variant type: single nucleotide variant.
Coding change: c.106T>C on transcript NM_024577.4 (MANE Select); coding-DNA position 106, T replaced by C.
Protein change: p.Ser36Pro; replaces serine 36 with proline.
Molecular consequence: missense variant.
Genome position (GRCh38, 1-based): chr5:149,052,187, A>G on the plus strand (T>C on the coding strand, the complement: SH3TC2 is on the minus strand). VCF-style: chr5-149052187-A-G. GRCh37 (hg19) VCF-style: chr5-148431750-A-G.
Other names: short protein forms S36P.
Identifiers: ClinVar variation 644942 (VCV000644942.8), dbSNP rs1580917049, ClinGen allele CA361681435.